The following is an entry in ClinVar:

ClinVar aggregate classification (germline): Uncertain significance. Review status: criteria provided, multiple submitters, no conflicts (2 of 4 stars). 2 submissions from 2 submitters: Uncertain significance (2). Last evaluated 2025-07-16.

Conditions:
Inborn genetic diseases. Identifiers: MedGen C0950123, MeSH D030342.

Allele frequency attached by ClinVar (database versions not stated): ExAC 0.00007; gnomAD exomes 0.00009 and 0.00010; gnomAD 0.00011; TOPMed 0.00012; ESP Exome Variant Server 0.00016.
gnomAD v4.1: 145 of 1,612,118 alleles (0.009%); highest among the groups gnomAD compares: Middle Eastern, 0.049%; no homozygotes.

Submissions (2):

Ambry Genetics
Classification: Uncertain significance for Inborn genetic diseases. Last evaluated: 2025-07-16. Review status: criteria provided, single submitter. Criteria: Ambry Variant Classification Scheme 2023. Collection method: clinical testing. Allele origin: germline.

Labcorp Genetics (formerly Invitae), Labcorp
Classification: Uncertain significance. Last evaluated: 2025-01-06. Review status: criteria provided, single submitter. Criteria: Invitae Variant Classification Sherloc (09022015). Collection method: clinical testing. Allele origin: germline.
Comment: This sequence change replaces serine, which is neutral and polar, with asparagine, which is neutral and polar, at codon 108 of the LRRK1 protein (p.Ser108Asn). This variant is present in population databases (rs202052348, gnomAD 0.05%). This variant has not been reported in the literature in individuals affected with LRRK1-related conditions. ClinVar contains an entry for this variant (Variation ID: 1518409). An algorithm developed to predict the effect of missense changes on protein structure and function (PolyPhen-2) suggests that this variant¬†is likely to be tolerated. In summary, the available evidence is currently insufficient to determine the role of this variant in disease. Therefore, it has been classified as a Variant of Uncertain Significance.

NM_024652.6(LRRK1):c.323G>A (p.Ser108Asn)

Gene: LRRK1 (leucine rich repeat kinase 1; plus strand). Cytogenetic location: 15q26.3.
Variant type: single nucleotide variant.
Coding change: c.323G>A on transcript NM_024652.6 (MANE Select); coding-DNA position 323, G replaced by A.
Protein change: p.Ser108Asn; replaces serine 108 with asparagine.
Molecular consequence: missense variant.
Genome position (GRCh38, 1-based): chr15:100,983,589, G>A. VCF-style: chr15-100983589-G-A. GRCh37 (hg19) VCF-style: chr15-101523794-G-A.
Other names: c.323G>A (NM_024652.3); short protein forms S108N.
Identifiers: ClinVar variation 1518409 (VCV001518409.7), dbSNP rs202052348, ClinGen allele CA7760538.